The following is an entry in ClinVar:

NM_031935.3(HMCN1):c.2098+7A>G

Gene: HMCN1 (hemicentin 1; plus strand). Cytogenetic location: 1q31.1.
Variant type: single nucleotide variant.
Coding change: c.2098+7A>G on transcript NM_031935.3 (MANE Select); 7 bases into the intron after coding-DNA position 2098, A replaced by G.
Molecular consequence: intron variant.
Genome position (GRCh38, 1-based): chr1:185,963,902, A>G. VCF-style: chr1-185963902-A-G. GRCh37 (hg19) VCF-style: chr1-185933034-A-G.
Identifiers: ClinVar variation 3641326 (VCV003641326.2).

ClinVar aggregate classification (germline): Uncertain significance (1 of 4 stars; one submission).

Submission:

Labcorp Genetics (formerly Invitae), Labcorp
Classification: Uncertain significance. Last evaluated: 2024-02-16. Review status: criteria provided, single submitter. Criteria: Invitae Variant Classification Sherloc (09022015). Collection method: clinical testing. Allele origin: germline.
Comment: This sequence change falls in intron 13 of the HMCN1 gene. It does not directly change the encoded amino acid sequence of the HMCN1 protein. This variant is not present in population databases (gnomAD no frequency). This variant has not been reported in the literature in individuals affected with HMCN1-related conditions. Algorithms developed to predict the effect of sequence changes on RNA splicing suggest that this variant may disrupt the consensus splice site. In summary, the available evidence is currently insufficient to determine the role of this variant in disease. Therefore, it has been classified as a Variant of Uncertain Significance.